The following is an entry in ClinVar:

ClinVar aggregate classification (germline): Pathogenic. Review status: criteria provided, multiple submitters, no conflicts (2 of 4 stars). 3 submissions from 3 submitters: Pathogenic (3). Last evaluated 2026-04-16.

Conditions:
F9-related disorder. Also called: F9-related condition.
Thrombophilia, X-linked, due to factor 9 defect. Identifiers: MedGen C2749016, MONDO:0010432, OMIM 300807.
Hereditary factor IX deficiency disease (HEMB). Also called: F9 DEFICIENCY; FACTOR IX DEFICIENCY; PLASMA THROMBOPLASTIN COMPONENT DEFICIENCY; Christmas Disease; Hemophilia B. Identifiers: Orphanet 98879, MedGen C0008533, MeSH D002836, MONDO:0010604, OMIM 306900.

Allele frequency attached by ClinVar (database versions not stated): TOPMed 0.00003.

Submissions (3):

PreventionGenetics, part of Exact Sciences
Classification: Pathogenic for F9-related condition. Last evaluated: 2026-04-16. Review status: criteria provided, single submitter. Criteria: ACMG Guidelines, 2015. Collection method: clinical testing. Allele origin: germline.
Comment: The F9 c.723+1G>A variant is predicted to disrupt the GT donor site and interfere with normal splicing. This variant has been reported in at least one individual with Hemophilia B (for example: aka G20566A, Giannelli et al. 1991. PubMed ID: 2041805). This variant has not been reported in a large population database (gnomAD), indicating this variant is rare. Variants that disrupt the consensus splice donor site in F9 are expected to be pathogenic. This variant is interpreted as pathogenic.

Labcorp Genetics (formerly Invitae), Labcorp
Classification: Pathogenic for Thrombophilia, X-linked, due to factor 9 defect; Hereditary factor IX deficiency disease. Last evaluated: 2025-10-14. Review status: criteria provided, single submitter. Criteria: Invitae Variant Classification Sherloc (09022015). Collection method: clinical testing. Allele origin: germline.
Comment: This sequence change affects a donor splice site in intron 6 of the F9 gene. It is expected to disrupt RNA splicing. Variants that disrupt the donor or acceptor splice site typically lead to a loss of protein function (PMID: 16199547), and loss-of-function variants in F9 are known to be pathogenic (PMID: 20301668). This variant is not present in population databases (gnomAD no frequency). Disruption of this splice site has been observed in individual(s) with haemophilia B (PMID: 32311179). In at least one individual the variant was observed to be de novo. ClinVar contains an entry for this variant (Variation ID: 810870). Algorithms developed to predict the effect of sequence changes on RNA splicing suggest that this variant may disrupt the consensus splice site. For these reasons, this variant has been classified as Pathogenic.

ARUP Laboratories, Molecular Genetics and Genomics, ARUP Laboratories
Classification: Pathogenic. Last evaluated: 2019-06-10. Review status: criteria provided, single submitter. Criteria: ARUP Molecular Germline Variant Investigation Process. Collection method: clinical testing. Allele origin: germline.
Comment: The F9 c.723+1G>A variant is reported in the literature in several individuals affected with hemophilia B (Giannelli 1991, Ketterling 1999). Samples from affected individuals with this variant exhibit clotting activity of 2% of normal or less (Giannelli 1991, Ketterling 1999). This variant is absent from general population databases (Exome Variant Server, Genome Aggregation Database), indicating it is not a common polymorphism. This variant abolishes the canonical splice donor site of intron 6, which is likely to disrupt gene function. Based on available information, this variant is considered to be pathogenic. References: Giannelli F et al. Haemophilia B: database of point mutations and short additions and deletions--second edition. Nucleic Acids Res. 1991 Apr 25;19 Suppl:2193-219. Ketterling RP et al. Reported in vivo splice-site mutations in the factor IX gene: severity of splicing defects and a hypothesis for predicting deleterious splice donor mutations. Hum Mutat. 1999;13(3):221-31.

Literature cited by the submitters: PubMed 16199547 (cited by Labcorp Genetics (formerly Invitae), Labcorp); PubMed 20301668 (cited by Labcorp Genetics (formerly Invitae), Labcorp); PubMed 32311179 (cited by Labcorp Genetics (formerly Invitae), Labcorp).

NM_000133.4(F9):c.723+1G>A

Gene: F9 (coagulation factor IX; plus strand). Cytogenetic location: Xq27.1.
Variant type: single nucleotide variant.
Coding change: c.723+1G>A on transcript NM_000133.4 (MANE Select); the canonical splice donor site of the intron after coding-DNA position 723, G replaced by A.
Molecular consequence: splice donor variant.
Genome position (GRCh38, 1-based): chrX:139,551,265, G>A. VCF-style: chrX-139551265-G-A. GRCh37 (hg19) VCF-style: chrX-138633424-G-A.
Other names: c.609+1G>A (NM_001313913.2); c.723+1G>A (NM_000133.3).
Identifiers: ClinVar variation 810870 (VCV000810870.10), dbSNP rs1603265832, ClinGen allele CA414441450.
Genomic context (GRCh38, chrX:139,551,265, plus strand): 5'-AATGACTTCACTCGGGTTGTTGGTGGAGAAGATGCCAAACCAGGTCAATTCCCTTGGCAG[G>A]TACTTTATACTGATGGTGTGTCAAAACTGGAGCTCAGCTGGCAAGACACAGGCCAGGTGG-3'